The following is an entry in ClinVar:

NM_018699.4(PRDM5):c.544C>T (p.Leu182Phe)

Gene: PRDM5 (PR/SET domain 5; minus strand). Cytogenetic location: 4q27.
Variant type: single nucleotide variant.
Coding change: c.544C>T on transcript NM_018699.4 (MANE Select); coding-DNA position 544, C replaced by T.
Protein change: p.Leu182Phe; replaces leucine 182 with phenylalanine.
Molecular consequence: missense variant.
Genome position (GRCh38, 1-based): chr4:120,818,459, G>A on the plus strand (C>T on the coding strand, the complement: PRDM5 is on the minus strand). VCF-style: chr4-120818459-G-A. GRCh37 (hg19) VCF-style: chr4-121739614-G-A.
Other names: c.544C>T, p.Leu182Phe (NM_001300823.2, NM_001300824.2, NM_001379104.1 and 1 more transcripts); short protein forms L182F.
Identifiers: ClinVar variation 347449 (VCV000347449.21), dbSNP rs199602365, ClinGen allele CA3061361.

ClinVar aggregate classification (germline): Conflicting classifications of pathogenicity. Review status: criteria provided, conflicting classifications (1 of 4 stars). 5 submissions from 5 submitters: Uncertain significance (2); Likely benign (2). 1 of the submissions does not count toward it. Last evaluated 2026-01-19.

Conditions:
Connective tissue disorder. Also called: Connective tissue disease. Identifiers: MedGen C0009782, MONDO:0003900.
PRDM5-related disorder. Also called: PRDM5-related condition.
Cardiovascular phenotype. Identifiers: MedGen CN230736.

Allele frequency attached by ClinVar (database versions not stated): gnomAD 0.00011; ESP Exome Variant Server 0.00015; TOPMed 0.00017; ExAC 0.00024; gnomAD exomes 0.00025.
gnomAD v4.1: 156 of 1,613,592 alleles (0.0097%); highest among the groups gnomAD compares: Admixed American, 0.042%; no homozygotes.

Submissions (5):

Labcorp Genetics (formerly Invitae), Labcorp
Classification: Likely benign. Last evaluated: 2026-01-19. Review status: criteria provided, single submitter. Criteria: Invitae Variant Classification Sherloc (09022015). Collection method: clinical testing. Allele origin: germline.

GeneDx
Classification: Uncertain significance. Last evaluated: 2024-08-01. Review status: criteria provided, single submitter. Criteria: GeneDx Variant Classification Process June 2021. Collection method: clinical testing. Allele origin: germline. Affected: yes.
Comment: Has not been previously published as pathogenic or benign to our knowledge; In silico analysis supports that this missense variant has a deleterious effect on protein structure/function

Ambry Genetics
Classification: Likely benign for Cardiovascular phenotype. Last evaluated: 2023-12-18. Review status: criteria provided, single submitter. Criteria: Ambry Variant Classification Scheme 2023. Collection method: clinical testing. Allele origin: germline.

Genome Diagnostics Laboratory, The Hospital for Sick Children
Classification: Uncertain significance for Connective tissue disorder. Last evaluated: 2020-10-06. Review status: criteria provided, single submitter. Criteria: ACMG Guidelines, 2015. Collection method: clinical testing. Allele origin: germline.

PreventionGenetics, part of Exact Sciences
Classification: Likely benign for PRDM5-related condition. Last evaluated: 2024-05-06. Review status: no assertion criteria provided. Collection method: clinical testing. Allele origin: germline. Not counted in ClinVar's aggregate classification.
Comment: This variant is classified as likely benign based on ACMG/AMP sequence variant interpretation guidelines (Richards et al. 2015 PMID: 25741868, with internal and published modifications).